The following is an entry in ClinVar:

NM_001701.4(BAAT):c.*1458G>A

Gene: BAAT (bile acid-CoA:amino acid N-acyltransferase; minus strand). Cytogenetic location: 9q31.1.
Variant type: single nucleotide variant.
Coding change: c.*1458G>A on transcript NM_001701.4 (MANE Select); 1458 bases downstream of the stop codon, G replaced by A.
Molecular consequence: 3 prime UTR variant.
Genome position (GRCh38, 1-based): chr9:101,360,970, C>T on the plus strand (G>A on the coding strand, the complement: BAAT is on the minus strand). VCF-style: chr9-101360970-C-T. GRCh37 (hg19) VCF-style: chr9-104123252-C-T.
Other names: c.*1458G>A (NM_001127610.2, NM_001374715.1).
Identifiers: ClinVar variation 364254 (VCV000364254.6), dbSNP rs59311341, ClinGen allele CA10626048.

ClinVar aggregate classification (germline): Benign. Review status: criteria provided, multiple submitters, no conflicts (2 of 4 stars). 2 submissions from 2 submitters: Benign (2). Last evaluated 2018-01-13.

Conditions:
Hypercholanemia, familial 1 (FHCA1). Identifiers: Orphanet 238475, MedGen C5542604, MONDO:0031446, OMIM 607748.

Allele frequency attached by ClinVar (database versions not stated): gnomAD exomes 0.12600; 1000 Genomes Project 0.15176; 1000 Genomes Project 30x 0.15334; gnomAD 0.15471 and 0.15501; TOPMed 0.15721.
gnomAD v4.1: 25,342 of 166,802 alleles (15%); highest among the groups gnomAD compares: Middle Eastern, 21%; 2,130 homozygotes.

Submissions (2):

Illumina Laboratory Services, Illumina
Classification: Benign for Hypercholanemia, familial 1. Last evaluated: 2018-01-13. Review status: criteria provided, single submitter. Criteria: ICSL Variant Classification Criteria 13 December 2019. Collection method: clinical testing. Allele origin: germline.
Comment: This variant was observed in the ICSL laboratory as part of a predisposition screen in an ostensibly healthy population. It had not been previously curated by ICSL or reported in the Human Gene Mutation Database (HGMD: prior to June 1st, 2018), and was therefore a candidate for classification through an automated scoring system. Utilizing variant allele frequency, disease prevalence and penetrance estimates, and inheritance mode, an automated score was calculated to assess if this variant is too frequent to cause the disease. Based on the score and internal cut-off values, a variant classified as benign is not then subjected to further curation. The score for this variant resulted in a classification of benign for this disease.

Breakthrough Genomics
Classification: Benign. Review status: criteria provided, single submitter. Criteria: ACMG Guidelines, 2015. Collection method: not provided. Allele origin: germline. Inheritance: Autosomal recessive inheritance. Affected: yes.